The following is an entry in ClinVar:

NM_001754.5(RUNX1):c.330G>C (p.Lys110Asn)

Gene: RUNX1 (RUNX family transcription factor 1; minus strand). Cytogenetic location: 21q22.12.
Variant type: single nucleotide variant.
Coding change: c.330G>C on transcript NM_001754.5 (MANE Select); coding-DNA position 330, G replaced by C.
Protein change: p.Lys110Asn; replaces lysine 110 with asparagine.
Molecular consequence: missense variant.
Genome position (GRCh38, 1-based): chr21:34,886,864, C>G on the plus strand (G>C on the coding strand, the complement: RUNX1 is on the minus strand). VCF-style: chr21-34886864-C-G. GRCh37 (hg19) VCF-style: chr21-36259161-C-G.
Other names: NM_001754.5(RUNX1):c.330G>C; p.Lys110Asn; c.249G>C, p.Lys83Asn (NM_001001890.3, NM_001122607.2); short protein forms K110N, K83N.
Identifiers: ClinVar variation 561234 (VCV000561234.5), dbSNP rs1569084082, ClinGen allele CA410203419.
Genomic context (GRCh38, chr21:34,886,864, plus strand): 5'-CCTCCGCCTGTCCTCCCACCACCCTCTCCGGGCCAGTACCTTGAAAGCGATGGGCAGGGT[C>G]TTGTTGCAGCGCCAGTGCGTAGGCAGCACGGAGCAGAGGAAGTTGGGGCTGTCGGTGCGC-3'
Protein context (NP_001745.2, residues 100-120): SVLPTHWRCN[Lys110Asn]TLPIAFKVVA

ClinVar aggregate classification (germline): Pathogenic. Review status: reviewed by expert panel (3 of 4 stars). 2 submissions from 2 submitters: Pathogenic (1). 1 of the submissions does not count toward it. Last evaluated 2026-05-04.

Conditions:
Hereditary thrombocytopenia and hematologic cancer predisposition syndrome. Identifiers: Orphanet 71290, MedGen CN281654, MONDO:0011071.

Submissions (2):

ClinGen Myeloid Malignancy Variant Curation Expert Panel
Classification: Pathogenic for Hereditary thrombocytopenia and hematologic cancer predisposition syndrome. Last evaluated: 2026-05-04. Review status: reviewed by expert panel. Criteria: ClinGen MyeloMalig ACMG Specifications V3.1. Collection method: curation. Allele origin: germline. Inheritance: Autosomal dominant inheritance.
Comment: NM_001754.5(RUNX1):c.330G>C (p.Lys110Asn) is a missense variant which affects one of the hotspot residues (K110) in the RHD (PM1_strong) and is completely absent from gnomAD v4 with at least 20x coverage (PM2_supporting). This missense variant has a REVEL score ≥ 0.88 (0.884) (PP3), and a transactivation assay using the M-CSF promoter demonstrated altered transactivation (<70% of WT). Data from secondary assays demonstrated altered DNA binding, CBFβ heterodimerization, and nuclear localization (PMID: 10068652, 11830488), and studies of the mutant protein in mouse bone marrow cells demonstrated a decreased ratio of erythroid to myeloid colonies, resulting in immortalization of cells and the accumulation of myeloblasts and dysplastic progenitors (PMID: 17234761)(PS3). In summary, this variant meets criteria to be classified as pathogenic. ACMG/AMP criteria applied, as specified by the Myeloid Malignancy Variant Curation Expert Panel for RUNX1: PM1_strong, PM2_supporting, PP3, PS3.

PreventionGenetics, part of Exact Sciences
Classification: Pathogenic. Last evaluated: 2018-07-12. Review status: criteria provided, single submitter. Criteria: ACMG Guidelines, 2015. Collection method: clinical testing. Allele origin: germline. Not counted in ClinVar's aggregate classification.

Literature cited by the submitters: PubMed 22649608 (cited by ClinGen Myeloid Malignancy Variant Curation Expert Panel); PubMed 17234761 (cited by ClinGen Myeloid Malignancy Variant Curation Expert Panel).